The following is an entry in ClinVar:

NM_000257.4(MYH7):c.2560G>A (p.Glu854Lys)

Genes: MYH7 (myosin heavy chain 7; minus strand), LOC126861898 (BRD4-independent group 4 enhancer GRCh37_chr14:23893609-23894808; plus strand). Cytogenetic location: 14q11.2.
Variant type: single nucleotide variant.
Coding change: c.2560G>A on transcript NM_000257.4 (MANE Select); coding-DNA position 2560, G replaced by A.
Protein change: p.Glu854Lys; replaces glutamic acid 854 with lysine.
Molecular consequence: missense variant.
Genome position (GRCh38, 1-based): chr14:23,424,888, C>T on the plus strand (G>A on the coding strand, the complement: MYH7 is on the minus strand). VCF-style: chr14-23424888-C-T. GRCh37 (hg19) VCF-style: chr14-23894097-C-T.
Other names: short protein forms E854K.
Identifiers: ClinVar variation 1478691 (VCV001478691.6), dbSNP rs1892632033, ClinGen allele CA389048154.

ClinVar aggregate classification (germline): Uncertain significance (1 of 4 stars; one submission).

Conditions:
Hypertrophic cardiomyopathy. Also called: HYPERTROPHIC MYOCARDIOPATHY. Identifiers: Orphanet 217569, MedGen C0007194, MeSH D002312, MONDO:0005045, HP:0001639.

Allele frequency attached by ClinVar (database versions not stated): TOPMed below 0.00001.

Submission:

Labcorp Genetics (formerly Invitae), Labcorp
Classification: Uncertain significance for Hypertrophic cardiomyopathy. Last evaluated: 2023-05-01. Review status: criteria provided, single submitter. Criteria: Invitae Variant Classification Sherloc (09022015). Collection method: clinical testing. Allele origin: germline.
Comment: This sequence change replaces glutamic acid, which is acidic and polar, with lysine, which is basic and polar, at codon 854 of the MYH7 protein (p.Glu854Lys). This variant is not present in population databases (gnomAD no frequency). This variant has not been reported in the literature in individuals affected with MYH7-related conditions. ClinVar contains an entry for this variant (Variation ID: 1478691). Advanced modeling of protein sequence and biophysical properties (such as structural, functional, and spatial information, amino acid conservation, physicochemical variation, residue mobility, and thermodynamic stability) performed at Invitae indicates that this missense variant is expected to disrupt MYH7 protein function. In summary, the available evidence is currently insufficient to determine the role of this variant in disease. Therefore, it has been classified as a Variant of Uncertain Significance.